The following is an entry in ClinVar:

ClinVar aggregate classification (germline): Pathogenic (1 of 4 stars; one submission).

Conditions:
Hereditary cancer-predisposing syndrome. Also called: Tumor predisposition; Hereditary Cancer Syndrome; Neoplastic Syndromes, Hereditary; Hereditary neoplastic syndrome. Identifiers: Orphanet 140162, MedGen C0027672, MeSH D009386, MONDO:0015356.

Submission:

Ambry Genetics
Classification: Pathogenic for Hereditary cancer-predisposing syndrome. Last evaluated: 2026-09-14. Review status: criteria provided, single submitter. Criteria: Ambry Variant Classification Scheme 2023. Collection method: clinical testing. Allele origin: germline.
Comment: The p.Y67* pathogenic mutation (also known as c.201T>A), located in coding exon 2 of the FH gene, results from a T to A substitution at nucleotide position 201. This changes the amino acid from a tyrosine to a stop codon within coding exon 2. This variant was reported in individual(s) with features consistent with FH-related tumor predisposition (Ambry internal data). This variant is considered to be rare based on population cohorts in the Genome Aggregation Database (gnomAD). This alteration is expected to result in loss of function by premature protein truncation or nonsense-mediated mRNA decay. As such, this alteration is interpreted as a disease-causing mutation.

NM_000143.4(FH):c.201T>A (p.Tyr67Ter)

Gene: FH (fumarate hydratase; minus strand). Cytogenetic location: 1q43.
Variant type: single nucleotide variant.
Coding change: c.201T>A on transcript NM_000143.4 (MANE Select); coding-DNA position 201, T replaced by A.
Protein change: p.Tyr67Ter; replaces tyrosine 67 with a stop codon.
Molecular consequence: nonsense.
Genome position (GRCh38, 1-based): chr1:241,517,248, A>T on the plus strand (T>A on the coding strand, the complement: FH is on the minus strand). VCF-style: chr1-241517248-A-T. GRCh37 (hg19) VCF-style: chr1-241680548-A-T.
Other names: short protein forms Y67*.
Identifiers: ClinVar variation 820543 (VCV000820543.5), dbSNP rs1558402241, ClinGen allele CA345441848.